The following is an entry in ClinVar:

NM_014055.4(IFT81):c.1195C>T (p.Arg399Ter)

Gene: IFT81 (intraflagellar transport 81; plus strand). Cytogenetic location: 12q24.11.
Variant type: single nucleotide variant.
Coding change: c.1195C>T on transcript NM_014055.4 (MANE Select); coding-DNA position 1195, C replaced by T.
Protein change: p.Arg399Ter; replaces arginine 399 with a stop codon.
Molecular consequence: nonsense. On other transcripts: non-coding transcript variant (4).
Genome position (GRCh38, 1-based): chr12:110,180,428, C>T. VCF-style: chr12-110180428-C-T. GRCh37 (hg19) VCF-style: chr12-110618233-C-T.
Other names: c.1195C>T, p.Arg399Ter (NM_001143779.2); c.265C>T, p.Arg89Ter (NM_001347947.2, NM_001347948.2); c.1195C>T (NM_014055.3); short protein forms R399*, R89*.
Identifiers: ClinVar variation 1434360 (VCV001434360.8), dbSNP rs374954469, ClinGen allele CA6783310.

ClinVar aggregate classification (germline): Pathogenic/Likely pathogenic. Review status: criteria provided, multiple submitters, no conflicts (2 of 4 stars). 3 submissions from 3 submitters: Pathogenic (1); Likely pathogenic (2). Last evaluated 2026-03-04.

Conditions:
IFT81-related disorder. Also called: IFT81-related condition.
IFT81-related disorders.

Allele frequency attached by ClinVar (database versions not stated): gnomAD 0.00001 and 0.00002; gnomAD exomes 0.00002 and 0.00003; TOPMed 0.00002; ExAC 0.00008; ESP Exome Variant Server 0.00009.

Submissions (3):

PreventionGenetics, part of Exact Sciences
Classification: Likely pathogenic for IFT81-related condition. Last evaluated: 2026-03-04. Review status: criteria provided, single submitter. Criteria: ACMG Guidelines, 2015. Collection method: clinical testing. Allele origin: germline.
Comment: The IFT81 c.1195C>T variant is predicted to result in premature protein termination (p.Arg399*). To our knowledge, this variant has not been reported in the literature in association with disease. This variant is reported in 0.0037% of alleles in individuals of European (Non-Finnish) descent in gnomAD. Nonsense variants in IFT81 are expected to be pathogenic. This variant is interpreted as likely pathogenic.

Labcorp Genetics (formerly Invitae), Labcorp
Classification: Pathogenic. Last evaluated: 2025-02-06. Review status: criteria provided, single submitter. Criteria: Invitae Variant Classification Sherloc (09022015). Collection method: clinical testing. Allele origin: germline.
Comment: This sequence change creates a premature translational stop signal (p.Arg399*) in the IFT81 gene. It is expected to result in an absent or disrupted protein product. Loss-of-function variants in IFT81 are known to be pathogenic (PMID: 26275418, 27666822). This variant is present in population databases (rs374954469, gnomAD 0.005%). This variant has not been reported in the literature in individuals affected with IFT81-related conditions. ClinVar contains an entry for this variant (Variation ID: 1434360). For these reasons, this variant has been classified as Pathogenic.

Blueprint Genetics
Classification: Likely pathogenic for IFT81-related disorders. Last evaluated: 2022-01-05. Review status: criteria provided, single submitter. Criteria: ACMG Guidelines, 2015. Collection method: clinical testing. Allele origin: germline. Affected: yes. Observed: 3 variant alleles.

Literature cited by the submitters: PubMed 26275418 (cited by Labcorp Genetics (formerly Invitae), Labcorp); PubMed 27666822 (cited by Labcorp Genetics (formerly Invitae), Labcorp).